The following is an entry in ClinVar:

ClinVar aggregate classification (germline): Likely benign (0 of 4 stars; one submission).

Conditions:
TMTC3-related disorder. Also called: TMTC3-related condition.

Allele frequency attached by ClinVar (database versions not stated): ExAC 0.00002; TOPMed 0.00002; gnomAD 0.00003; gnomAD exomes 0.00003.
gnomAD v4.1: 43 of 1,530,502 alleles (0.0028%); highest among the groups gnomAD compares: African/African-American, 0.0055%; no homozygotes.

Submission:

PreventionGenetics, part of Exact Sciences
Classification: Likely benign for TMTC3-related condition. Last evaluated: 2021-12-03. Review status: no assertion criteria provided. Collection method: clinical testing. Allele origin: germline.
Comment: This variant is classified as likely benign based on ACMG/AMP sequence variant interpretation guidelines (Richards et al. 2015 PMID: 25741868, with internal and published modifications).

NM_181783.4(TMTC3):c.1536+3A>G

Gene: TMTC3 (transmembrane O-mannosyltransferase targeting cadherins 3; plus strand). Cytogenetic location: 12q21.32.
Variant type: single nucleotide variant.
Coding change: c.1536+3A>G on transcript NM_181783.4 (MANE Select); 3 bases into the intron after coding-DNA position 1536, A replaced by G.
Molecular consequence: intron variant.
Genome position (GRCh38, 1-based): chr12:88,188,949, A>G. VCF-style: chr12-88188949-A-G. GRCh37 (hg19) VCF-style: chr12-88582726-A-G.
Other names: c.1317+3A>G (NM_001366579.1); c.1356+3A>G (NM_001366574.1); c.1269+3A>G (NM_001366580.1); c.843+3A>G (NM_001366583.1).
Identifiers: ClinVar variation 3054860 (VCV003054860.2), dbSNP rs752826060, ClinGen allele CA6713311.